The following is an entry in ClinVar:

ClinVar aggregate classification (germline): Uncertain significance (1 of 4 stars; one submission).

Submission:

GeneDx
Classification: Uncertain significance. Last evaluated: 2021-02-03. Review status: criteria provided, single submitter. Criteria: GeneDx Variant Classification Process June 2021. Collection method: clinical testing. Allele origin: germline. Affected: yes.
Comment: Not observed in large population cohorts (Lek et al., 2016); In silico analysis supports that this missense variant has a deleterious effect on protein structure/function; In silico analysis supports a deleterious effect on splicing; Has not been previously published as pathogenic or benign to our knowledge

NM_022552.5(DNMT3A):c.2017G>A (p.Gly673Ser)

Gene: DNMT3A (DNA methyltransferase 3 alpha; minus strand). Cytogenetic location: 2p23.3.
Variant type: single nucleotide variant.
Coding change: c.2017G>A on transcript NM_022552.5 (MANE Select); coding-DNA position 2017, G replaced by A.
Protein change: p.Gly673Ser; replaces glycine 673 with serine.
Molecular consequence: missense variant. On other transcripts: non-coding transcript variant (1).
Genome position (GRCh38, 1-based): chr2:25,241,627, C>T on the plus strand (G>A on the coding strand, the complement: DNMT3A is on the minus strand). VCF-style: chr2-25241627-C-T. GRCh37 (hg19) VCF-style: chr2-25464496-C-T.
Other names: c.1561G>A, p.Gly521Ser (NM_001320893.1); c.1348G>A, p.Gly450Ser (NM_001375819.1); c.1450G>A, p.Gly484Ser (NM_153759.3); c.2017G>A, p.Gly673Ser (NM_175629.2); short protein forms G450S, G484S, G521S, G673S.
Identifiers: ClinVar variation 1318930 (VCV001318930.2), dbSNP rs1674046656, ClinGen allele CA346071276.